The following is an entry in ClinVar:

ClinVar aggregate classification (germline): Uncertain significance. Review status: criteria provided, multiple submitters, no conflicts (2 of 4 stars). 7 submissions from 6 submitters: Uncertain significance (5). 2 of the submissions do not count toward it. Last evaluated 2023-11-04.

Conditions:
Retinitis pigmentosa 39 (RP39). Identifiers: Orphanet 791, MedGen C3151138, MONDO:0013436, OMIM 613809.
Usher syndrome type 2A. Also called: RETINAL DISEASE IN USHER SYNDROME TYPE IIA, MODIFIER OF; USHER SYNDROME, TYPE IIA. Identifiers: Orphanet 231178, Orphanet 886, MedGen C1848634, MONDO:0010169, OMIM 276901.

Submissions (7):

Genome-Nilou Lab
Classification: Uncertain significance for Retinitis pigmentosa 39. Last evaluated: 2023-11-04. Review status: criteria provided, single submitter. Criteria: ACMG Guidelines, 2015. Collection method: clinical testing. Allele origin: germline. Affected: no.

Genome-Nilou Lab
Classification: Uncertain significance for Usher syndrome type 2A. Last evaluated: 2023-11-04. Review status: criteria provided, single submitter. Criteria: ACMG Guidelines, 2015. Collection method: clinical testing. Allele origin: germline. Affected: no.

GeneDx
Classification: Uncertain significance. Last evaluated: 2022-12-13. Review status: criteria provided, single submitter. Criteria: GeneDx Variant Classification Process June 2021. Collection method: clinical testing. Allele origin: germline. Affected: yes.
Comment: Not observed at significant frequency in large population cohorts (gnomAD); In-frame deletion of 1 amino acid in a non-repeat region; In silico analysis supports a deleterious effect on protein structure/function; Has not been previously published as pathogenic or benign to our knowledge

Labcorp Genetics (formerly Invitae), Labcorp
Classification: Uncertain significance. Last evaluated: 2022-08-23. Review status: criteria provided, single submitter. Criteria: Invitae Variant Classification Sherloc (09022015). Collection method: clinical testing. Allele origin: germline.
Comment: This variant, c.11693_11695del, results in the deletion of 1 amino acid(s) of the USH2A protein (p.Ile3898del), but otherwise preserves the integrity of the reading frame. This variant is present in population databases (rs727504714, gnomAD 0.003%). This variant has not been reported in the literature in individuals affected with USH2A-related conditions. ClinVar contains an entry for this variant (Variation ID: 179212). Experimental studies and prediction algorithms are not available or were not evaluated, and the functional significance of this variant is currently unknown. In summary, the available evidence is currently insufficient to determine the role of this variant in disease. Therefore, it has been classified as a Variant of Uncertain Significance.

Laboratory for Molecular Medicine, Mass General Brigham Personalized Medicine
Classification: Uncertain significance. Last evaluated: 2013-09-26. Review status: criteria provided, single submitter. Criteria: LMM Criteria. Collection method: clinical testing. Allele origin: germline. Observed: 1 variant allele.
Comment: Variant classified as Uncertain Significance - Favor Benign. The Ile3898del vari ant in USH2A has not been reported in individuals with hearing loss, but has bee n identified in 0.12% (10/8254) of European American chromosomes and 0.1% (4/426 4) of African American chromosomes from a broad population by the NHLBI Exome Se quencing Project. This variant leads to an in -frame deletion of one amino acid residue (Ile) at position 3898 which is not we ll conserved across species; however, this information is not sufficient to rule out an impact to the protein. In summary, the clinical significance of this var iant cannot be determined with certainty; however, based upon its presence in th e general population, we lean towards a more likely benign role.

Natera, Inc.
Classification: Uncertain significance for Usher syndrome type 2A. Last evaluated: 2020-10-20. Review status: no assertion criteria provided. Collection method: clinical testing. Allele origin: germline. Not counted in ClinVar's aggregate classification.

Counsyl
Classification: Uncertain significance for Usher syndrome type 2A; Retinitis pigmentosa 39. Last evaluated: 2017-02-07. Review status: no assertion criteria provided. Collection method: clinical testing. Allele origin: unknown. Not counted in ClinVar's aggregate classification.

NM_206933.4(USH2A):c.11687TCA[2] (p.Ile3898del)

Gene: USH2A (usherin; minus strand). Cytogenetic location: 1q41.
Variant type: Microsatellite.
Coding change: c.11687TCA[2] on transcript NM_206933.4 (MANE Select); two copies in a row of the 3-base unit TCA starting at c.11687; the reference has three copies in a row; one copy, 3 bases deleted; also written c.11693_11695del.
Protein change: p.Ile3898del; deletes isoleucine 3898.
Molecular consequence: inframe deletion.
Genome position (GRCh38, 1-based): chr1:215,741,391-215,741,393, TGA deleted on the plus strand (TCA on the coding strand, the reverse complement: USH2A is on the minus strand); deleting any 3 consecutive bases within chr1:215,741,391-215,741,400 gives the same sequence; the position shown is the placement nearest the transcript's 3' end. VCF-style (leftmost placement, unchanged base first): chr1-215741390-TTGA-T. GRCh37 (hg19) VCF-style: chr1-215914732-TTGA-T.
Other names: c.11693_11695del (NM_206933.2, NM_206933.4); c.11693_11695delTCA (NM_206933.2); short protein forms I3898del.
Identifiers: ClinVar variation 179212 (VCV000179212.11), dbSNP rs727504714, ClinGen allele CA183962.